The following is an entry in ClinVar:

ClinVar aggregate classification (germline): Uncertain significance (1 of 4 stars; one submission).

Allele frequency attached by ClinVar (database versions not stated): gnomAD 0.00001; ESP Exome Variant Server 0.00008.
gnomAD v4.1: 2 of 1,613,992 alleles (0.00012%); highest among the groups gnomAD compares: Non-Finnish European, 0.00017%; no homozygotes.

Submission:

Ambry Genetics
Classification: Uncertain significance. Last evaluated: 2023-12-07. Review status: criteria provided, single submitter. Criteria: Ambry Variant Classification Scheme 2023. Collection method: clinical testing. Allele origin: germline.
Comment: The p.S422R variant (also known as c.1266C>A), located in coding exon 13 of the NPAT gene, results from a C to A substitution at nucleotide position 1266. The serine at codon 422 is replaced by arginine, an amino acid with dissimilar properties. This amino acid position is conserved. In addition, this alteration is predicted to be tolerated by in silico analysis. Since supporting evidence is limited at this time, the clinical significance of this alteration remains unclear.

NM_002519.3(NPAT):c.1266C>A (p.Ser422Arg)

Gene: NPAT (nuclear protein, coactivator of histone transcription; minus strand). Cytogenetic location: 11q22.3.
Variant type: single nucleotide variant.
Coding change: c.1266C>A on transcript NM_002519.3 (MANE Select); coding-DNA position 1266, C replaced by A.
Protein change: p.Ser422Arg; replaces serine 422 with arginine.
Molecular consequence: missense variant.
Genome position (GRCh38, 1-based): chr11:108,173,718, G>T on the plus strand (C>A on the coding strand, the complement: NPAT is on the minus strand). VCF-style: chr11-108173718-G-T. GRCh37 (hg19) VCF-style: chr11-108044445-G-T.
Other names: c.1266C>A, p.Ser422Arg (NM_001321307.1); short protein forms S422R.
Identifiers: ClinVar variation 1764175 (VCV001764175.2), dbSNP rs371588210, ClinGen allele CA6264033.